The following is an entry in ClinVar:

ClinVar aggregate classification (germline): Benign (1 of 4 stars; one submission).

Submission:

CeGaT Center for Human Genetics Tuebingen
Classification: Benign. Last evaluated: 2024-09-01. Review status: criteria provided, single submitter. Criteria: CeGaT Center For Human Genetics Tuebingen Variant Classification Criteria Version 2. Collection method: clinical testing. Allele origin: germline. Affected: yes. Observed: 1 variant allele.
Comment: USF3: BS1, BS2

NM_001009899.4(USF3):c.4383GCA[6] (p.Gln1473_Gln1478del)

Gene: USF3 (upstream transcription factor family member 3; minus strand). Cytogenetic location: 3q13.2.
Variant type: Microsatellite.
Coding change: c.4383GCA[6] on transcript NM_001009899.4 (MANE Select); six copies in a row of the 3-base unit GCA starting at c.4383; the reference has 12 copies in a row; six copies, 18 bases deleted.
Protein change: p.Gln1473_Gln1478del.
Molecular consequence: inframe deletion.
Genome position (GRCh38, 1-based): chr3:113,657,264-113,657,281, TGCTGCTGCTGCTGCTGC deleted on the plus strand (GCAGCAGCAGCAGCAGCA on the coding strand, the reverse complement: USF3 is on the minus strand); deleting any 18 consecutive bases within chr3:113,657,264-113,657,300 gives the same sequence; the position shown is the placement nearest the transcript's 3' end. VCF-style (leftmost placement, unchanged base first): chr3-113657263-TTGCTGCTGCTGCTGCTGC-T. GRCh37 (hg19) VCF-style: chr3-113376110-TTGCTGCTGCTGCTGCTGC-T.
Identifiers: ClinVar variation 3387830 (VCV003387830.14).